The following is an entry in ClinVar:

NM_000334.4(SCN4A):c.4208A>G (p.Lys1403Arg)

Genes: SCN4A (sodium voltage-gated channel alpha subunit 4; minus strand), GH-LCR (growth hormone locus control region; plus strand). Cytogenetic location: 17q23.3.
Variant type: single nucleotide variant.
Coding change: c.4208A>G on transcript NM_000334.4 (MANE Select); coding-DNA position 4208, A replaced by G.
Protein change: p.Lys1403Arg; replaces lysine 1403 with arginine.
Molecular consequence: missense variant.
Genome position (GRCh38, 1-based): chr17:63,942,906, T>C on the plus strand (A>G on the coding strand, the complement: SCN4A is on the minus strand). VCF-style: chr17-63942906-T-C. GRCh37 (hg19) VCF-style: chr17-62020266-T-C.
Other names: short protein forms K1403R.
Identifiers: ClinVar variation 1063223 (VCV001063223.10), dbSNP rs1480233641, ClinGen allele CA400616486.

ClinVar aggregate classification (germline): Uncertain significance. Review status: criteria provided, multiple submitters, no conflicts (2 of 4 stars). 2 submissions from 2 submitters: Uncertain significance (2). Last evaluated 2024-03-05.

Conditions:
Hyperkalemic periodic paralysis. Also called: Familial hyperkalemic periodic paralysis; Gamstorp disease. Identifiers: Orphanet 682, MedGen C0238357, MONDO:0008224, OMIM 170500, HP:0007215.
Inborn genetic diseases. Identifiers: MedGen C0950123, MeSH D030342.

Allele frequency attached by ClinVar (database versions not stated): gnomAD exomes below 0.00001; TOPMed below 0.00001; gnomAD 0.00001.

Submissions (2):

Ambry Genetics
Classification: Uncertain significance for Inborn genetic diseases. Last evaluated: 2024-03-05. Review status: criteria provided, single submitter. Criteria: Ambry Variant Classification Scheme 2023. Collection method: clinical testing. Allele origin: germline.

Labcorp Genetics (formerly Invitae), Labcorp
Classification: Uncertain significance for Hyperkalemic periodic paralysis. Last evaluated: 2022-02-03. Review status: criteria provided, single submitter. Criteria: Invitae Variant Classification Sherloc (09022015). Collection method: clinical testing. Allele origin: germline.
Comment: In summary, the available evidence is currently insufficient to determine the role of this variant in disease. Therefore, it has been classified as a Variant of Uncertain Significance. Algorithms developed to predict the effect of missense changes on protein structure and function (SIFT, PolyPhen-2, Align-GVGD) all suggest that this variant is likely to be disruptive. ClinVar contains an entry for this variant (Variation ID: 1063223). This variant has not been reported in the literature in individuals affected with SCN4A-related conditions. This variant is present in population databases (no rsID available, gnomAD 0.006%). This sequence change replaces lysine, which is basic and polar, with arginine, which is basic and polar, at codon 1403 of the SCN4A protein (p.Lys1403Arg).